The following is an entry in ClinVar:

NM_000238.4(KCNH2):c.1814C>T (p.Pro605Leu)

Gene: KCNH2 (potassium voltage-gated channel subfamily H member 2; minus strand). Cytogenetic location: 7q36.1.
Variant type: single nucleotide variant.
Coding change: c.1814C>T on transcript NM_000238.4 (MANE Select); coding-DNA position 1814, C replaced by T.
Protein change: p.Pro605Leu; replaces proline 605 with leucine.
Molecular consequence: missense variant.
Genome position (GRCh38, 1-based): chr7:150,951,579, G>A on the plus strand (C>T on the coding strand, the complement: KCNH2 is on the minus strand). VCF-style: chr7-150951579-G-A. GRCh37 (hg19) VCF-style: chr7-150648667-G-A.
Other names: c.1814C>T (LRG_288t1); c.794C>T, p.Pro265Leu (NM_001204798.2, NM_172057.3); c.1526C>T, p.Pro509Leu (NM_001406753.1, NM_001406756.1); c.1637C>T, p.Pro546Leu (NM_001406755.1); c.1514C>T, p.Pro505Leu (NM_001406757.1); c.1814C>T, p.Pro605Leu (NM_172056.3); short protein forms P265L, P605L, P546L, P505L, P509L.
Identifiers: ClinVar variation 67284 (VCV000067284.10), dbSNP rs199472938, ClinGen allele CA005574.

ClinVar aggregate classification (germline): Pathogenic/Likely pathogenic. Review status: criteria provided, multiple submitters, no conflicts (2 of 4 stars). 5 submissions from 5 submitters: Pathogenic (1); Likely pathogenic (3). 1 of the submissions does not count toward it. Last evaluated 2025-04-07.

Conditions:
KCNH2-related disorder. Also called: KCNH2-related disorders; KCNH2-related condition.
Familial long QT syndrome (RWS). Also called: Congenital long QT syndrome; Romano-Ward syndrome; VENTRICULAR FIBRILLATION WITH PROLONGED QT INTERVAL. Identifiers: Orphanet 768, MedGen C1141890, MONDO:0019171.
Long QT syndrome (LQTS). Identifiers: MedGen C0023976, MeSH D008133, MONDO:0002442. Disease mechanism: loss of function. Inheritance: Various modes of inheritance.
Long QT syndrome 2 (LQT2). Identifiers: Orphanet 101016, Orphanet 768, MedGen C3150943, MONDO:0013367, OMIM 613688.

Submissions (5):

Labcorp Genetics (formerly Invitae), Labcorp
Classification: Likely pathogenic for Long QT syndrome. Last evaluated: 2025-04-07. Review status: criteria provided, single submitter. Criteria: Invitae Variant Classification Sherloc (09022015). Collection method: clinical testing. Allele origin: germline.
Comment: This sequence change replaces proline, which is neutral and non-polar, with leucine, which is neutral and non-polar, at codon 605 of the KCNH2 protein (p.Pro605Leu). This variant is not present in population databases (gnomAD no frequency). This missense change has been observed in individuals with long QT syndrome (external communication, internal data). ClinVar contains an entry for this variant (Variation ID: 67284). An algorithm developed to predict the effect of missense changes on protein structure and function (PolyPhen-2) suggests that this variant is likely to be disruptive. Experimental studies have shown that this missense change affects KCNH2 function (PMID: 25417810). This variant disrupts the p.Pro605 amino acid residue in KCNH2. Other variant(s) that disrupt this residue have been determined to be pathogenic (PMID: 25417810; internal data). This suggests that this residue is clinically significant, and that variants that disrupt this residue are likely to be disease-causing. In summary, the currently available evidence indicates that the variant is pathogenic, but additional data are needed to prove that conclusively. Therefore, this variant has been classified as Likely Pathogenic.

Blueprint Genetics
Classification: Likely pathogenic for KCNH2-related disorders. Last evaluated: 2023-10-20. Review status: criteria provided, single submitter. Criteria: ACMG Guidelines, 2015. Collection method: clinical testing. Allele origin: germline. Affected: yes. Observed: 3 variant alleles.

Victorian Clinical Genetics Services, Murdoch Childrens Research Institute
Classification: Likely pathogenic for Long QT syndrome 2. Last evaluated: 2020-10-19. Review status: criteria provided, single submitter. Criteria: ACMG Guidelines, 2015. Collection method: clinical testing. Allele origin: germline. Inheritance: Autosomal dominant inheritance.
Comment: Based on the classification scheme VCGS_Germline_v1.3.3, this variant is classified as Likely pathogenic. Following criteria are met: 0103 - Dominant negative and loss of function are known mechanisms of disease in this gene and are associated with Long QT syndrome 2 (MIM#613688). Gain of function is also a known mechanism associated with Short QT syndrome 1 (MIM#609620) (OMIM, PMID: 10753933; PMID: 21777565). (I) 0107 - This gene is associated with autosomal dominant disease. (I) 0112 - The condition associated with this gene has incomplete penetrance (PMID: 20301308). (I) 0200 - Variant is predicted to result in a missense amino acid change from proline to leucine. (I) 0251 - This variant is heterozygous. (I) 0301 - Variant is absent from gnomAD (both v2 and v3). (SP) 0501 - Missense variant consistently predicted to be damaging by multiple in silico tools or highly conserved with a major amino acid change. (SP) 0600 - Variant is located in the annotated pore region (PMID: 21956039). (I) 0704 - Another two missense variants comparable to the one identified in this case has limited previous evidence for pathogenicity. A different amino acid change to serine at the same position has been reported in a patient with Long QT syndrome 2 (ClinVar, PMID: 19716085). Additionally another change to histidine at the same position has been reported as VUS in ClinVar. (SP) 0802 - This variant has moderate previous evidence of pathogenicity in unrelated individuals. The variant has been previously reported in patients with Long QT syndrome (ClinVar, PMID: 19716085, 21956039). (SP) 0905 - No published segregation evidence has been identified for this variant. (I) 1002 - This variant has moderate functional evidence supporting abnormal protein function. Functional studies using HEK293 cells show that this variant leads to deficient trafficking (PMID: 25417810). (SP) 1208 - Inheritance information for this variant is not currently available in this individual. (I) Legend: (SP) - Supporting pathogenic, (I) - Information, (SB) - Supporting benign

MVZ Martinsried, Medicover Genetics
Classification: Pathogenic for Long QT syndrome 2. Last evaluated: 2018-07-11. Review status: criteria provided, single submitter. Criteria: ACMG Guidelines, 2015. Collection method: clinical testing. Allele origin: unknown. Affected: yes.

Cardiovascular Biomedical Research Unit, Royal Brompton & Harefield NHS Foundation Trust
No classification provided. Condition: Familial long QT syndrome. Review status: no classification provided. Collection method: literature only. Allele origin: germline. Not counted in ClinVar's aggregate classification.
Comment: This variant has been reported as associated with Long QT syndrome in the following publications (PMID:19716085). This is a literature report, and does not necessarily reflect the clinical interpretation of the Imperial College / Royal Brompton Cardiovascular Genetics laboratory.

Literature cited by the submitters: PubMed 25417810 (cited by Labcorp Genetics (formerly Invitae), Labcorp and Victorian Clinical Genetics Services, Murdoch Childrens Research Institute); PubMed 10753933 (cited by Victorian Clinical Genetics Services, Murdoch Childrens Research Institute); PubMed 19716085 (cited by Victorian Clinical Genetics Services, Murdoch Childrens Research Institute and Cardiovascular Biomedical Research Unit, Royal Brompton & Harefield NHS Foundation Trust); PubMed 20301308 (cited by Victorian Clinical Genetics Services, Murdoch Childrens Research Institute); PubMed 21777565 (cited by Victorian Clinical Genetics Services, Murdoch Childrens Research Institute); PubMed 21956039 (cited by Victorian Clinical Genetics Services, Murdoch Childrens Research Institute); PubMed 22581653 (cited by Cardiovascular Biomedical Research Unit, Royal Brompton & Harefield NHS Foundation Trust).